The following is an entry in ClinVar:

ClinVar aggregate classification (germline): Uncertain significance (1 of 4 stars; one submission).

Conditions:
Cerebral creatine deficiency syndrome. Also called: Creatine deficiency syndromes. Identifiers: Orphanet 79172, MedGen C5244016, MONDO:0000456.

Submission:

Labcorp Genetics (formerly Invitae), Labcorp
Classification: Uncertain significance for Cerebral creatine deficiency syndrome. Last evaluated: 2023-05-22. Review status: criteria provided, single submitter. Criteria: Invitae Variant Classification Sherloc (09022015). Collection method: clinical testing. Allele origin: germline.
Comment: ClinVar contains an entry for this variant (Variation ID: 1368103). In summary, the available evidence is currently insufficient to determine the role of this variant in disease. Therefore, it has been classified as a Variant of Uncertain Significance. Advanced modeling of protein sequence and biophysical properties (such as structural, functional, and spatial information, amino acid conservation, physicochemical variation, residue mobility, and thermodynamic stability) has been performed at Invitae for this missense variant, however the output from this modeling did not meet the statistical confidence thresholds required to predict the impact of this variant on GAMT protein function. This variant has not been reported in the literature in individuals affected with GAMT-related conditions. This variant is not present in population databases (gnomAD no frequency). This sequence change replaces phenylalanine, which is neutral and non-polar, with leucine, which is neutral and non-polar, at codon 10 of the GAMT protein (p.Phe10Leu).

NM_000156.6(GAMT):c.30C>G (p.Phe10Leu)

Genes: GAMT (guanidinoacetate N-methyltransferase; minus strand), LOC130062945 (ATAC-STARR-seq lymphoblastoid silent region 9707; plus strand). Cytogenetic location: 19p13.3.
Variant type: single nucleotide variant.
Coding change: c.30C>G on transcript NM_000156.6 (MANE Select); coding-DNA position 30, C replaced by G.
Protein change: p.Phe10Leu; replaces phenylalanine 10 with leucine.
Molecular consequence: missense variant.
Genome position (GRCh38, 1-based): chr19:1,401,447, G>C on the plus strand (C>G on the coding strand, the complement: GAMT is on the minus strand). VCF-style: chr19-1401447-G-C. GRCh37 (hg19) VCF-style: chr19-1401446-G-C.
Other names: c.30C>G, p.Phe10Leu (NM_138924.3); short protein forms F10L.
Identifiers: ClinVar variation 1368103 (VCV001368103.8), dbSNP rs2144641422, ClinGen allele CA402998422.
Genomic context (GRCh38, chr19:1,401,447, plus strand): 5'-CGCTGCGTCGTAGGCCGCGGGCGCCGCCCCCCACGCGGGGCTGCAGTTCTCGCCGGGCGC[G>C]AAGATGGGGGTCGCGCTGGGGGCGCTCATGCTGCAGGCTGGACGGCGACCCGACCTCGAT-3'
Protein context (NP_000147.1, residues 1-20): MSAPSATPI[Phe10Leu]APGENCSPAW